The following is an entry in ClinVar:

ClinVar aggregate classification (germline): Uncertain significance. Review status: criteria provided, multiple submitters, no conflicts (2 of 4 stars). 2 submissions from 2 submitters: Uncertain significance (2). Last evaluated 2022-11-18.

Conditions:
Cerebellar dysfunction with variable cognitive and behavioral abnormalities (CECBA). Also called: Nonprogressive cerebellar atxia with intellectual disability. Identifiers: Orphanet 314647, MedGen C3553661, MONDO:0013886, OMIM 614756.

Allele frequency attached by ClinVar (database versions not stated): gnomAD exomes below 0.00001 and 0.00002; TOPMed below 0.00001; ExAC 0.00001; gnomAD 0.00001.
gnomAD v4.1: 10 of 1,593,500 alleles (0.00063%); highest among the groups gnomAD compares: East Asian, 0.009%; no homozygotes.

Submissions (2):

Blueprint Genetics
Classification: Uncertain significance. Last evaluated: 2022-11-18. Review status: criteria provided, single submitter. Criteria: ACMG Guidelines, 2015. Collection method: clinical testing. Allele origin: germline.

Centre for Mendelian Genomics, University Medical Centre Ljubljana
Classification: Uncertain significance for Cerebellar dysfunction with variable cognitive and behavioral abnormalities. Last evaluated: 2020-01-29. Review status: criteria provided, single submitter. Criteria: ACMG Guidelines, 2015. Collection method: clinical testing. Allele origin: unknown. Affected: yes.
Comment: This variant was classified as: Uncertain significance. The available evidence on this variant's pathogenicity is insufficient or conflicting. The following ACMG criteria were applied in classifying this variant: PM2,PP3.

NM_015215.4(CAMTA1):c.2473A>G (p.Ser825Gly)

Gene: CAMTA1 (calmodulin binding transcription activator 1; plus strand). Cytogenetic location: 1p36.23.
Variant type: single nucleotide variant.
Coding change: c.2473A>G on transcript NM_015215.4 (MANE Select); coding-DNA position 2473, A replaced by G.
Protein change: p.Ser825Gly; replaces serine 825 with glycine.
Molecular consequence: missense variant.
Genome position (GRCh38, 1-based): chr1:7,665,020, A>G. VCF-style: chr1-7665020-A-G. GRCh37 (hg19) VCF-style: chr1-7725080-A-G.
Other names: c.2383A>G, p.Ser795Gly (NM_001349608.2, NM_001349612.2); c.2473A>G, p.Ser825Gly (NM_001349609.2, NM_001349610.2); short protein forms S825G, S795G.
Identifiers: ClinVar variation 930676 (VCV000930676.4), dbSNP rs765488241, ClinGen allele CA566644.